The following is an entry in ClinVar:

NM_172351.3(CD46):c.14G>A (p.Gly5Asp)

Genes: CD46 (CD46 molecule; plus strand), LOC129932405 (ATAC-STARR-seq lymphoblastoid active region 2449; plus strand). Cytogenetic location: 1q32.2.
Variant type: single nucleotide variant.
Coding change: c.14G>A on transcript NM_172351.3 (MANE Select); coding-DNA position 14, G replaced by A.
Protein change: p.Gly5Asp; replaces glycine 5 with aspartic acid.
Molecular consequence: missense variant.
Genome position (GRCh38, 1-based): chr1:207,752,226, G>A. VCF-style: chr1-207752226-G-A. GRCh37 (hg19) VCF-style: chr1-207925571-G-A.
Other names: c.14G>A, p.Gly5Asp (NM_002389.4, NM_153826.4, NM_172350.3 and 8 more transcripts); short protein forms G5D.
Identifiers: ClinVar variation 4291230 (VCV004291230.1).
Genomic context (GRCh38, chr1:207,752,226, plus strand): 5'-TTTCTCTGCTTTCCTCCGGAGAAATAACAGCGTCTTCCGCGCCGCGCATGGAGCCTCCCG[G>A]CCGCCGCGAGTGTCCCTTTCCTTCCTGGCGCTTTCCTGGGTTGCTTCTGGCGGCCATGGT-3'
Protein context (NP_758861.1, residues 1-15): MEPP[Gly5Asp]RRECPFPSWR

ClinVar aggregate classification (germline): Uncertain significance (1 of 4 stars; one submission).

Conditions:
Atypical hemolytic-uremic syndrome. Identifiers: Orphanet 2134, MedGen C2931788, MONDO:0016244.

gnomAD v4.1: 4 of 1,613,968 alleles (0.00025%); highest among the groups gnomAD compares: South Asian, 0.0011%; no homozygotes.

Submission:

Genomenon, Inc
Classification: Uncertain significance for Atypical hemolytic-uremic syndrome. Last evaluated: 2025-10-02. Review status: criteria provided, single submitter. Criteria: Genomenon Sequence Variant Interpretation Standards. Collection method: curation. Allele origin: germline. Affected: no.
Comment: CD46 p.Gly5Asp (c.14G>A) is a missense variant that changes the amino acid at residue 5 from Glycine to Aspartic acid. This variant has been reported in the published literature (PMID:34566977). It is absent or not present at a significant frequency in gnomAD. In silico models agree that this variant is not damaging. In conclusion, we classify CD46 p.Gly5Asp (c.14G>A) as a variant of uncertain significance.

Literature cited by the submitters: PubMed 34566977.